The following is an entry in ClinVar:

NM_001355436.2(SPTB):c.3712_3722del (p.Gly1238fs)

Gene: SPTB (spectrin beta, erythrocytic; minus strand). Cytogenetic location: 14q23.3.
Variant type: Deletion.
Coding change: c.3712_3722del on transcript NM_001355436.2 (MANE Select); coding-DNA positions 3712 to 3722, 11 bases deleted (GGAAACCTATA).
Protein change: p.Gly1238fs; shifts the reading frame from glycine 1238.
Molecular consequence: frameshift variant.
Genome position (GRCh38, 1-based): chr14:64,785,791-64,785,801, TATAGGTTTCC deleted on the plus strand (GGAAACCTATA on the coding strand, the reverse complement: SPTB is on the minus strand). VCF-style (leftmost placement, unchanged base first): chr14-64785790-GTATAGGTTTCC-G. GRCh37 (hg19) VCF-style: chr14-65252508-GTATAGGTTTCC-G.
Other names: c.3712_3722del, p.Gly1238fs (NM_001024858.4, NM_001355437.2); short protein forms G1238fs.
Identifiers: ClinVar variation 1997434 (VCV001997434.4), dbSNP rs2503121647, ClinGen allele CA2580088366.

ClinVar aggregate classification (germline): Pathogenic (1 of 4 stars; one submission).

Submission:

Labcorp Genetics (formerly Invitae), Labcorp
Classification: Pathogenic. Last evaluated: 2022-05-21. Review status: criteria provided, single submitter. Criteria: Invitae Variant Classification Sherloc (09022015). Collection method: clinical testing. Allele origin: germline.
Comment: For these reasons, this variant has been classified as Pathogenic. This variant has not been reported in the literature in individuals affected with SPTB-related conditions. This variant is not present in population databases (gnomAD no frequency). This sequence change creates a premature translational stop signal (p.Gly1238Leufs*12) in the SPTB gene. It is expected to result in an absent or disrupted protein product. Loss-of-function variants in SPTB are known to be pathogenic (PMID: 1391962, 1498324, 8844207, 26830532, 27292444).

Literature cited by the submitters: PubMed 1391962; PubMed 1498324; PubMed 8844207; PubMed 26830532; PubMed 27292444.